The following is an entry in ClinVar:

NM_022916.6(VPS33A):c.1457C>T (p.Ser486Leu)

Gene: VPS33A (VPS33A core subunit of CORVET and HOPS complexes; minus strand). Cytogenetic location: 12q24.31.
Variant type: single nucleotide variant.
Coding change: c.1457C>T on transcript NM_022916.6 (MANE Select); coding-DNA position 1457, C replaced by T.
Protein change: p.Ser486Leu; replaces serine 486 with leucine.
Molecular consequence: missense variant.
Genome position (GRCh38, 1-based): chr12:122,232,952, G>A on the plus strand (C>T on the coding strand, the complement: VPS33A is on the minus strand). VCF-style: chr12-122232952-G-A. GRCh37 (hg19) VCF-style: chr12-122717499-G-A.
Other names: c.1424C>T, p.Ser475Leu (NM_001351018.2); c.1409C>T, p.Ser470Leu (NM_001351019.2); c.1136C>T, p.Ser379Leu (NM_001351020.2); short protein forms S486L, S379L, S475L, S470L.
Identifiers: ClinVar variation 1029870 (VCV001029870.2), dbSNP rs1188661941, ClinGen allele CA387049636.

ClinVar aggregate classification (germline): Uncertain significance. Review status: criteria provided, multiple submitters, no conflicts (2 of 4 stars). 2 submissions from 2 submitters: Uncertain significance (2). Last evaluated 2025-11-03.

Conditions:
Mucopolysaccharidosis-plus syndrome. Also called: Mucopolysaccharidosis-like syndrome with congenital heart defects and hematopoietic disorders. Identifiers: Orphanet 505248, MedGen C4310627, MONDO:0015012, OMIM 617303.

Allele frequency attached by ClinVar (database versions not stated): gnomAD exomes below 0.00001; TOPMed below 0.00001.
gnomAD v4.1: 7 of 1,608,698 alleles (0.00044%); highest among the groups gnomAD compares: African/African-American, 0.0013%; no homozygotes.

Submissions (2):

Ambry Genetics
Classification: Uncertain significance. Last evaluated: 2025-11-03. Review status: criteria provided, single submitter. Criteria: Ambry Variant Classification Scheme 2023. Collection method: clinical testing. Allele origin: germline.

Baylor Genetics
Classification: Uncertain significance for Mucopolysaccharidosis-plus syndrome. Last evaluated: 2020-01-20. Review status: criteria provided, single submitter. Criteria: ACMG Guidelines, 2015. Collection method: clinical testing. Allele origin: unknown. Affected: yes.
Comment: This variant was determined to be of uncertain significance according to ACMG Guidelines, 2015 [PMID:25741868].